The following is an entry in ClinVar:

ClinVar aggregate classification (germline): Uncertain significance (0 of 4 stars; one submission).

Conditions:
FGG-related disorder. Also called: FGG-related condition.

Allele frequency attached by ClinVar (database versions not stated): TOPMed below 0.00001; gnomAD exomes 0.00001.
gnomAD v4.1: 9 of 1,611,228 alleles (0.00056%); highest among the groups gnomAD compares: Non-Finnish European, 0.00068%; no homozygotes.

Submission:

PreventionGenetics, part of Exact Sciences
Classification: Uncertain significance for FGG-related condition. Last evaluated: 2024-02-07. Review status: no assertion criteria provided. Collection method: clinical testing. Allele origin: germline.
Comment: The FGG c.674A>T variant is predicted to result in the amino acid substitution p.Asp225Val. To our knowledge, this variant has not been reported in the literature or in a large population database, indicating this variant is rare. At this time, the clinical significance of this variant is uncertain due to the absence of conclusive functional and genetic evidence.

NM_021870.3(FGG):c.674A>T (p.Asp225Val)

Gene: FGG (fibrinogen gamma chain; minus strand). Cytogenetic location: 4q32.1.
Variant type: single nucleotide variant.
Coding change: c.674A>T on transcript NM_021870.3 (MANE Select); coding-DNA position 674, A replaced by T.
Protein change: p.Asp225Val; replaces aspartic acid 225 with valine.
Molecular consequence: missense variant.
Genome position (GRCh38, 1-based): chr4:154,608,643, T>A on the plus strand (A>T on the coding strand, the complement: FGG is on the minus strand). VCF-style: chr4-154608643-T-A. GRCh37 (hg19) VCF-style: chr4-155529795-T-A.
Other names: c.674A>T, p.Asp225Val (NM_000509.6); short protein forms D225V.
Identifiers: ClinVar variation 3056268 (VCV003056268.2), dbSNP rs1260834809, ClinGen allele CA358536565.